The following is an entry in ClinVar:

ClinVar aggregate classification (germline): Uncertain significance (1 of 4 stars; one submission).

Conditions:
Facioscapulohumeral muscular dystrophy 2 (FSHD2). Also called: MUSCULAR DYSTROPHY, FACIOSCAPULOHUMERAL, TYPE 1B; FACIOSCAPULOHUMERAL MUSCULAR DYSTROPHY 2, DIGENIC; FSHD2, DIGENIC. Identifiers: Orphanet 269, MedGen C1834671, MONDO:0008031, OMIM 158901.

Allele frequency attached by ClinVar (database versions not stated): TOPMed below 0.00001; gnomAD 0.00001.
gnomAD v4.1: 2 of 1,504,762 alleles (0.00013%); highest among the groups gnomAD compares: African/African-American, 0.0015%; no homozygotes.

Submission:

Labcorp Genetics (formerly Invitae), Labcorp
Classification: Uncertain significance for Facioscapulohumeral muscular dystrophy 2. Last evaluated: 2023-09-22. Review status: criteria provided, single submitter. Criteria: Invitae Variant Classification Sherloc (09022015). Collection method: clinical testing. Allele origin: germline.
Comment: This variant is not present in population databases (gnomAD no frequency). This sequence change replaces glycine, which is neutral and non-polar, with alanine, which is neutral and non-polar, at codon 48 of the SMCHD1 protein (p.Gly48Ala). In summary, the available evidence is currently insufficient to determine the role of this variant in disease. Therefore, it has been classified as a Variant of Uncertain Significance. Algorithms developed to predict the effect of missense changes on protein structure and function output the following: SIFT: "Not Available"; PolyPhen-2: "Benign"; Align-GVGD: "Not Available". The alanine amino acid residue is found in multiple mammalian species, which suggests that this missense change does not adversely affect protein function. This variant has not been reported in the literature in individuals affected with SMCHD1-related conditions.

NM_015295.3(SMCHD1):c.143G>C (p.Gly48Ala)

Gene: SMCHD1 (structural maintenance of chromosomes flexible hinge domain containing 1; plus strand). Cytogenetic location: 18p11.32.
Variant type: single nucleotide variant.
Coding change: c.143G>C on transcript NM_015295.3 (MANE Select); coding-DNA position 143, G replaced by C.
Protein change: p.Gly48Ala; replaces glycine 48 with alanine.
Molecular consequence: missense variant.
Genome position (GRCh38, 1-based): chr18:2,656,218, G>C. VCF-style: chr18-2656218-G-C. GRCh37 (hg19) VCF-style: chr18-2656217-G-C.
Other names: short protein forms G48A.
Identifiers: ClinVar variation 2890123 (VCV002890123.3), dbSNP rs2073051498, ClinGen allele CA401685224.
Genomic context (GRCh38, chr18:2,656,218, plus strand): 5'-TGTACTTGTTTGATCGGCGCGAAAAGGAGTCCGAGCTCGGGGACCGGCCTCTGCAGGTCG[G>C]GGAGCGCTCGGACTACGCGGGATTTCGCGCGTGTGTGTGTCAGGTACGCGAAGGGGCGAG-3'
Protein context (NP_056110.2, residues 38-58): SELGDRPLQV[Gly48Ala]ERSDYAGFRA